The following is an entry in ClinVar:

NM_024675.4(PALB2):c.1301A>G (p.Asp434Gly)

Gene: PALB2 (partner and localizer of BRCA2; minus strand). Cytogenetic location: 16p12.2.
Variant type: single nucleotide variant.
Coding change: c.1301A>G on transcript NM_024675.4 (MANE Select); coding-DNA position 1301, A replaced by G.
Protein change: p.Asp434Gly; replaces aspartic acid 434 with glycine.
Molecular consequence: missense variant. On other transcripts: intron variant (3).
Genome position (GRCh38, 1-based): chr16:23,635,245, T>C on the plus strand (A>G on the coding strand, the complement: PALB2 is on the minus strand). VCF-style: chr16-23635245-T-C. GRCh37 (hg19) VCF-style: chr16-23646566-T-C.
Other names: c.1241A>G, p.Asp414Gly (NM_001407296.1); c.1301A>G, p.Asp434Gly (NM_001407297.1, NM_001407298.1, NM_001407299.1 and 3 more transcripts); c.416A>G, p.Asp139Gly (NM_001407304.1, NM_001407305.1, NM_001407306.1 and 5 more transcripts); c.48+5865A>G (NM_001407314.1); c.-104-4776A>G (NM_001407313.1, NM_001407312.1); short protein forms D139G, D414G, D434G.
Identifiers: ClinVar variation 3240008 (VCV003240008.4), dbSNP rs757972600.

ClinVar aggregate classification (germline): Conflicting classifications of pathogenicity. Review status: criteria provided, conflicting classifications (1 of 4 stars). 4 submissions from 4 submitters: Uncertain significance (3); Likely benign (1). Last evaluated 2026-04-16.

Conditions:
Hereditary cancer-predisposing syndrome. Also called: Neoplastic Syndromes, Hereditary; Tumor predisposition; Hereditary Cancer Syndrome; Hereditary neoplastic syndrome. Identifiers: Orphanet 140162, MedGen C0027672, MeSH D009386, MONDO:0015356.
Familial cancer of breast. Also called: BREAST CANCER, FAMILIAL; hereditary breast carcinoma; Hereditary breast cancer. Identifiers: Orphanet 227535, MedGen C0346153, MONDO:0016419, OMIM 114480. Disease mechanism: loss of function.

Submissions (4):

Women's Health and Genetics/Laboratory Corporation of America, LabCorp
Classification: Uncertain significance. Last evaluated: 2026-04-16. Review status: criteria provided, single submitter. Criteria: LabCorp Variant Classification Summary - May 2015. Collection method: clinical testing. Allele origin: germline.

Ambry Genetics
Classification: Likely benign for Hereditary cancer-predisposing syndrome. Last evaluated: 2026-03-01. Review status: criteria provided, single submitter. Criteria: Ambry Variant Classification Scheme 2023. Collection method: clinical testing. Allele origin: germline.

Labcorp Genetics (formerly Invitae), Labcorp
Classification: Uncertain significance for Familial cancer of breast. Last evaluated: 2025-12-15. Review status: criteria provided, single submitter. Criteria: Invitae Variant Classification Sherloc (09022015). Collection method: clinical testing. Allele origin: germline.
Comment: This sequence change replaces aspartic acid, which is acidic and polar, with glycine, which is neutral and non-polar, at codon 434 of the PALB2 protein (p.Asp434Gly). This variant is not present in population databases (gnomAD no frequency). This variant has not been reported in the literature in individuals affected with PALB2-related conditions. ClinVar contains an entry for this variant (Variation ID: 3240008). Invitae Evidence Modeling of protein sequence and biophysical properties (such as structural, functional, and spatial information, amino acid conservation, physicochemical variation, residue mobility, and thermodynamic stability) indicates that this missense variant is not expected to disrupt PALB2 protein function with a negative predictive value of 80%. In summary, the available evidence is currently insufficient to determine the role of this variant in disease. Therefore, it has been classified as a Variant of Uncertain Significance.

Baylor Genetics
Classification: Uncertain significance for Familial cancer of breast. Last evaluated: 2024-03-25. Review status: criteria provided, single submitter. Criteria: ACMG Guidelines, 2015. Collection method: clinical testing. Allele origin: unknown.